The following is an entry in ClinVar:

NM_004655.4(AXIN2):c.2330A>G (p.Tyr777Cys)

Gene: AXIN2 (axin 2; minus strand). Cytogenetic location: 17q24.1.
Variant type: single nucleotide variant.
Coding change: c.2330A>G on transcript NM_004655.4 (MANE Select); coding-DNA position 2330, A replaced by G.
Protein change: p.Tyr777Cys; replaces tyrosine 777 with cysteine.
Molecular consequence: missense variant.
Genome position (GRCh38, 1-based): chr17:65,533,987, T>C on the plus strand (A>G on the coding strand, the complement: AXIN2 is on the minus strand). VCF-style: chr17-65533987-T-C. GRCh37 (hg19) VCF-style: chr17-63530105-T-C.
Other names: c.2135A>G, p.Tyr712Cys (NM_001363813.1); short protein forms Y712C, Y777C.
Identifiers: ClinVar variation 1052746 (VCV001052746.10), dbSNP rs2144419130, ClinGen allele CA400675485.

ClinVar aggregate classification (germline): Uncertain significance (1 of 4 stars; one submission).

Conditions:
Oligodontia-cancer predisposition syndrome. Also called: TOOTH AGENESIS-COLORECTAL CANCER SYNDROME. Identifiers: Orphanet 300576, MedGen C1837750, MONDO:0012075, OMIM 608615. Disease mechanism: loss of function.

Submission:

Labcorp Genetics (formerly Invitae), Labcorp
Classification: Uncertain significance for Oligodontia-cancer predisposition syndrome. Last evaluated: 2022-10-06. Review status: criteria provided, single submitter. Criteria: Invitae Variant Classification Sherloc (09022015). Collection method: clinical testing. Allele origin: germline.
Comment: This sequence change replaces tyrosine, which is neutral and polar, with cysteine, which is neutral and slightly polar, at codon 777 of the AXIN2 protein (p.Tyr777Cys). This variant is not present in population databases (gnomAD no frequency). This variant has not been reported in the literature in individuals affected with AXIN2-related conditions. ClinVar contains an entry for this variant (Variation ID: 1052746). Advanced modeling of protein sequence and biophysical properties (such as structural, functional, and spatial information, amino acid conservation, physicochemical variation, residue mobility, and thermodynamic stability) performed at Invitae indicates that this missense variant is expected to disrupt AXIN2 protein function. In summary, the available evidence is currently insufficient to determine the role of this variant in disease. Therefore, it has been classified as a Variant of Uncertain Significance.